The following is an entry in ClinVar:

NM_000245.4(MET):c.1564C>T (p.His522Tyr)

Gene: MET (MET proto-oncogene, receptor tyrosine kinase; plus strand). Cytogenetic location: 7q31.2.
Variant type: single nucleotide variant.
Coding change: c.1564C>T on transcript NM_000245.4 (MANE Select); coding-DNA position 1564, C replaced by T.
Protein change: p.His522Tyr; replaces histidine 522 with tyrosine.
Molecular consequence: missense variant.
Genome position (GRCh38, 1-based): chr7:116,740,888, C>T. VCF-style: chr7-116740888-C-T. GRCh37 (hg19) VCF-style: chr7-116380942-C-T.
Other names: c.1564C>T, p.His522Tyr (NM_001127500.3, NM_001324401.3); c.274C>T, p.His92Tyr (NM_001324402.2); short protein forms H522Y, H92Y.
Identifiers: ClinVar variation 5024347 (VCV005024347.1).
Genomic context (GRCh38, chr7:116,740,888, plus strand): 5'-TCTTTCCACCCCTTCTCTTCACAGATCACGAAGATCCCATTGAATGGCTTGGGCTGCAGA[C>T]ATTTCCAGTCCTGCAGTCAATGCCTCTCTGCCCCACCCTTTGTTCAGTGTGGCTGGTGCC-3'
Protein context (NP_000236.2, residues 512-532): KIPLNGLGCR[His522Tyr]FQSCSQCLSA

ClinVar aggregate classification (germline): Uncertain significance (1 of 4 stars; one submission).

Conditions:
Hereditary cancer-predisposing syndrome. Also called: Neoplastic Syndromes, Hereditary; Tumor predisposition; Hereditary neoplastic syndrome; Hereditary Cancer Syndrome. Identifiers: Orphanet 140162, MedGen C0027672, MeSH D009386, MONDO:0015356.

gnomAD v4.1: 1 of 1,614,162 alleles (0.000062%); no homozygotes.

Submission:

Ambry Genetics
Classification: Uncertain significance for Hereditary cancer-predisposing syndrome. Last evaluated: 2026-07-06. Review status: criteria provided, single submitter. Criteria: Ambry Variant Classification Scheme 2023. Collection method: clinical testing. Allele origin: germline.
Comment: The p.H522Y variant (also known as c.1564C>T), located in coding exon 4 of the MET gene, results from a C to T substitution at nucleotide position 1564. The histidine at codon 522 is replaced by tyrosine, an amino acid with similar properties. This amino acid position is conserved. In addition, the in silico prediction for this alteration is inconclusive. Based on the available evidence, the clinical significance of this variant remains unclear.